The following is an entry in ClinVar:

NM_138701.4(MPLKIP):c.58G>A (p.Gly20Ser)

Gene: MPLKIP (M-phase specific PLK1 interacting protein; minus strand). Cytogenetic location: 7p14.1.
Variant type: single nucleotide variant.
Coding change: c.58G>A on transcript NM_138701.4 (MANE Select); coding-DNA position 58, G replaced by A.
Protein change: p.Gly20Ser; replaces glycine 20 with serine.
Molecular consequence: missense variant.
Genome position (GRCh38, 1-based): chr7:40,134,510, C>T on the plus strand (G>A on the coding strand, the complement: MPLKIP is on the minus strand). VCF-style: chr7-40134510-C-T. GRCh37 (hg19) VCF-style: chr7-40174109-C-T.
Other names: short protein forms G20S.
Identifiers: ClinVar variation 1416743 (VCV001416743.8), dbSNP rs756055084, ClinGen allele CA4229254.

ClinVar aggregate classification (germline): Uncertain significance (1 of 4 stars; one submission).

Allele frequency attached by ClinVar (database versions not stated): ExAC 0.00004.
gnomAD v4.1: 1 of 1,590,524 alleles (0.000063%); no homozygotes.

Submission:

Labcorp Genetics (formerly Invitae), Labcorp
Classification: Uncertain significance. Last evaluated: 2022-07-19. Review status: criteria provided, single submitter. Criteria: Invitae Variant Classification Sherloc (09022015). Collection method: clinical testing. Allele origin: germline.
Comment: Algorithms developed to predict the effect of missense changes on protein structure and function output the following: SIFT: "Tolerated"; PolyPhen-2: "Not Available"; Align-GVGD: "Class C0". The serine amino acid residue is found in multiple mammalian species, which suggests that this missense change does not adversely affect protein function. In summary, the available evidence is currently insufficient to determine the role of this variant in disease. Therefore, it has been classified as a Variant of Uncertain Significance. ClinVar contains an entry for this variant (Variation ID: 1416743). This variant has not been reported in the literature in individuals affected with MPLKIP-related conditions. The frequency data for this variant in the population databases is considered unreliable, as metrics indicate poor data quality at this position in the gnomAD database. This sequence change replaces glycine, which is neutral and non-polar, with serine, which is neutral and polar, at codon 20 of the MPLKIP protein (p.Gly20Ser).